The following is an entry in ClinVar:

NM_016239.4(MYO15A):c.1114T>C (p.Tyr372His)

Gene: MYO15A (myosin XVA; plus strand). Cytogenetic location: 17p11.2.
Variant type: single nucleotide variant.
Coding change: c.1114T>C on transcript NM_016239.4 (MANE Select); coding-DNA position 1114, T replaced by C.
Protein change: p.Tyr372His; replaces tyrosine 372 with histidine.
Molecular consequence: missense variant.
Genome position (GRCh38, 1-based): chr17:18,119,914, T>C. VCF-style: chr17-18119914-T-C. GRCh37 (hg19) VCF-style: chr17-18023228-T-C.
Other names: short protein forms Y372H.
Identifiers: ClinVar variation 1427555 (VCV001427555.3), dbSNP rs753201327, ClinGen allele CA8423024.

ClinVar aggregate classification (germline): Uncertain significance (1 of 4 stars; one submission).

Allele frequency attached by ClinVar (database versions not stated): gnomAD 0.00001; ExAC 0.00001; TOPMed 0.00002; gnomAD exomes 0.00001.
gnomAD v4.1: 9 of 1,613,330 alleles (0.00056%); highest among the groups gnomAD compares: Admixed American, 0.0033%; no homozygotes.

Submission:

Labcorp Genetics (formerly Invitae), Labcorp
Classification: Uncertain significance. Last evaluated: 2022-07-12. Review status: criteria provided, single submitter. Criteria: Invitae Variant Classification Sherloc (09022015). Collection method: clinical testing. Allele origin: germline.
Comment: This sequence change replaces tyrosine, which is neutral and polar, with histidine, which is basic and polar, at codon 372 of the MYO15A protein (p.Tyr372His). This variant is present in population databases (rs753201327, gnomAD 0.003%). This variant has not been reported in the literature in individuals affected with MYO15A-related conditions. ClinVar contains an entry for this variant (Variation ID: 1427555). Advanced modeling of protein sequence and biophysical properties (such as structural, functional, and spatial information, amino acid conservation, physicochemical variation, residue mobility, and thermodynamic stability) performed at Invitae indicates that this missense variant is not expected to disrupt MYO15A protein function. In summary, the available evidence is currently insufficient to determine the role of this variant in disease. Therefore, it has been classified as a Variant of Uncertain Significance.